The following is an entry in ClinVar:

ClinVar aggregate classification (germline): Uncertain significance (1 of 4 stars; one submission).

Submission:

GeneDx
Classification: Uncertain significance. Last evaluated: 2024-12-30. Review status: criteria provided, single submitter. Criteria: GeneDx Variant Classification Process June 2021. Collection method: clinical testing. Allele origin: germline. Affected: yes.
Comment: Not observed at significant frequency in large population cohorts (gnomAD); Frameshift variant predicted to result in protein truncation or nonsense mediated decay in a gene or region of a gene for which loss of function is not a well-established mechanism of disease; Has not been previously published as pathogenic or benign to our knowledge; Variants in candidate genes are classified as variants of uncertain significance in accordance with ACMG guidelines (PMID: 25741868)

NM_024721.5(ZFHX4):c.3754del (p.Gln1252fs)

Gene: ZFHX4 (zinc finger homeobox 4; plus strand). Cytogenetic location: 8q21.13.
Variant type: Deletion.
Coding change: c.3754del on transcript NM_024721.5 (MANE Select); coding-DNA position 3754, one base deleted (C; older notation c.3754delC).
Protein change: p.Gln1252fs; shifts the reading frame from glutamine 1252.
Molecular consequence: frameshift variant.
Genome position (GRCh38, 1-based): chr8:76,849,620, C deleted. VCF-style (leftmost placement, unchanged base first): chr8-76849619-TC-T. GRCh37 (hg19) VCF-style: chr8-77761855-TC-T.
Other names: c.3676del, p.Gln1226fs (NM_001410934.1); short protein forms Q1226fs, Q1252fs.
Identifiers: ClinVar variation 3907957 (VCV003907957.1).